The following is an entry in ClinVar:

NM_001039591.3(USP9X):c.82dup (p.Leu28fs)

Gene: USP9X (ubiquitin specific peptidase 9 X-linked; plus strand). Cytogenetic location: Xp11.4.
Variant type: Duplication.
Coding change: c.82dup on transcript NM_001039591.3 (MANE Select); coding-DNA position 82, one base duplicated (C; older notation c.82dupC).
Protein change: p.Leu28fs; shifts the reading frame from leucine 28.
Molecular consequence: frameshift variant.
Genome position (GRCh38, 1-based): chrX:41,123,710, C duplicated; the last of 7 consecutive C bases (chrX:41,123,704-41,123,710); duplicating any one gives the same sequence. VCF-style (leftmost placement, unchanged base first): chrX-41123703-G-GC. GRCh37 (hg19) VCF-style: chrX-40982956-G-GC.
Other names: c.82dup, p.Leu28fs (NM_001039590.3); c.82dupC (NM_001039590.2); short protein forms L28fs.
Identifiers: ClinVar variation 1254438 (VCV001254438.10), dbSNP rs758083405, ClinGen allele CA10388250.

ClinVar aggregate classification (germline): Pathogenic/Likely pathogenic. Review status: criteria provided, multiple submitters, no conflicts (2 of 4 stars). 6 submissions from 6 submitters: Pathogenic (3); Likely pathogenic (1). 2 of the submissions do not count toward it. Last evaluated 2025-05-19.

Conditions:
Inborn genetic diseases. Identifiers: MedGen C0950123, MeSH D030342.
USP9X-related disorder. Also called: USP9X-related condition.
Intellectual developmental disorder, X-linked 99. Also called: Intellectual disability, X-linked 99. Identifiers: Orphanet 777, MedGen C3806746, MONDO:0010487, OMIM 300919.

Submissions (6):

GeneDx
Classification: Pathogenic. Last evaluated: 2025-05-19. Review status: criteria provided, single submitter. Criteria: GeneDx Variant Classification Process June 2021. Collection method: clinical testing. Allele origin: germline. Affected: yes.
Comment: Frameshift variant predicted to result in protein truncation or nonsense mediated decay in a gene for which loss-of-function is a known mechanism of disease; Not observed at significant frequency in large population cohorts (gnomAD); This variant is associated with the following publications: (PMID: 35982159)

Dasa
Classification: Pathogenic. Last evaluated: 2025-04-25. Review status: criteria provided, single submitter. Criteria: DASA Assertion Criteria. Collection method: clinical testing. Allele origin: germline.
Comment: NM_001039591.3(USP9X):c.82dup (p.Leu28Profs*10) introduces a premature termination codon predicted to result in loss of normal protein function. Loss-of-function is an established mechanism of disease for this gene. This variant has been recurrently observed in individuals with related phenotype (PMID: 35982159; PMID: 28377321; PMID: 26833328). The variant is present at low frequency in population datasets. Based on the available data, this variant is classified as pathogenic.

Ambry Genetics
Classification: Pathogenic for Inborn genetic diseases. Last evaluated: 2023-04-13. Review status: criteria provided, single submitter. Criteria: Ambry Variant Classification Scheme 2023. Collection method: clinical testing. Allele origin: germline.
Comment: The c.82dupC (p.L28Pfs*10) alteration, located in exon 2 (coding exon 1) of the USP9X gene, consists of a duplication of C at position 82, causing a translational frameshift with a predicted alternate stop codon after 10 amino acids. This alteration is expected to result in loss of function by premature protein truncation or nonsense-mediated mRNA decay. Based on the available evidence, this alteration is classified as pathogenic.

Clinical Genetics Service, Universitary Hospital 12 de Octubre
Classification: Likely pathogenic for Intellectual developmental disorder, X-linked 99. Review status: criteria provided, single submitter. Criteria: ACMG Guidelines, 2015. Collection method: clinical testing. Allele origin: germline. Affected: yes.

PreventionGenetics, part of Exact Sciences
Classification: Likely pathogenic for USP9X-related condition. Last evaluated: 2023-12-01. Review status: no assertion criteria provided. Collection method: clinical testing. Allele origin: germline. Not counted in ClinVar's aggregate classification.
Comment: The USP9X c.82dupC variant is predicted to result in a frameshift and premature protein termination (p.Leu28Profs*10). This variant has been reported in an individual with autism in the SPARK cohort (Zhou et al. 2022. PubMed ID: 35982159, Supplementary Data 1). This variant has not been reported in a large population database, indicating this variant is rare. Frameshift variants in USP9X are expected to be pathogenic. This variant is interpreted as likely pathogenic.

Molecular Genetics laboratory, Necker Hospital
Classification: Likely pathogenic. Last evaluated: 2021-01-18. Review status: no assertion criteria provided. Collection method: clinical testing. Allele origin: de novo. Affected: yes. Not counted in ClinVar's aggregate classification.

Literature cited by the submitters: PubMed 35982159 (cited by Dasa); PubMed 28377321 (cited by Dasa); PubMed 26833328 (cited by Dasa).